The following is an entry in ClinVar:

NM_013322.3(SNX10):c.152G>A (p.Arg51Gln)

Gene: SNX10 (sorting nexin 10; plus strand). Cytogenetic location: 7p15.2.
Variant type: single nucleotide variant.
Coding change: c.152G>A on transcript NM_013322.3 (MANE Select); coding-DNA position 152, G replaced by A.
Protein change: p.Arg51Gln; replaces arginine 51 with glutamine.
Molecular consequence: missense variant. On other transcripts: intron variant (1).
Genome position (GRCh38, 1-based): chr7:26,364,575, G>A. VCF-style: chr7-26364575-G-A. GRCh37 (hg19) VCF-style: chr7-26404195-G-A.
Other names: c.152G>A, p.Arg51Gln (NM_001199835.1, NM_001318199.3); c.143G>A, p.Arg48Gln (NM_001199837.3); c.230G>A, p.Arg77Gln (NM_001318198.1, NM_001362753.1, NM_001362754.1); c.-41+73G>A (NM_001199838.2); short protein forms R51Q, R48Q, R77Q.
Identifiers: ClinVar variation 40050 (VCV000040050.7), dbSNP rs398123011, ClinGen allele CA130726.

ClinVar aggregate classification (germline): Pathogenic. Review status: criteria provided, multiple submitters, no conflicts (2 of 4 stars). 4 submissions from 4 submitters: Pathogenic (2). 2 of the submissions do not count toward it. Last evaluated 2025-07-31.

Conditions:
Autosomal recessive osteopetrosis 8. Identifiers: Orphanet 667, MedGen C3554478, MONDO:0014040, OMIM 615085.

Allele frequency attached by ClinVar (database versions not stated): ExAC 0.00002; gnomAD 0.00001; gnomAD exomes 0.00001; TOPMed 0.00001.
gnomAD v4.1: 17 of 1,613,824 alleles (0.0011%); highest among the groups gnomAD compares: Non-Finnish European, 0.0014%; no homozygotes.

Submissions (4):

Women's Health and Genetics/Laboratory Corporation of America, LabCorp
Classification: Pathogenic for Autosomal recessive osteopetrosis 8. Last evaluated: 2025-07-31. Review status: criteria provided, single submitter. Criteria: LabCorp Variant Classification Summary - May 2015. Collection method: clinical testing. Allele origin: germline.
Comment: Variant summary: SNX10 c.152G>A (p.Arg51Gln) results in a conservative amino acid change in the encoded protein sequence. Algorithms developed to predict the effect of missense changes on protein structure and function are either unavailable or do not agree on the potential impact of this missense change. The variant allele was found at a frequency of 1.2e-05 in 251192 control chromosomes. c.152G>A has been observed in multiple individuals affected with Autosomal recessive osteopetrosis (example: Pangrazio_20130. These data indicate that the variant is very likely to be associated with disease. At least one publication reports experimental evidence that this missense change affects SNX10 function (Xu_2014). The following publications have been ascertained in the context of this evaluation (PMID: 23280965, 25212774). ClinVar contains an entry for this variant (Variation ID: 40050). Based on the evidence outlined above, the variant was classified as pathogenic.

Labcorp Genetics (formerly Invitae), Labcorp
Classification: Pathogenic. Last evaluated: 2025-06-19. Review status: criteria provided, single submitter. Criteria: Invitae Variant Classification Sherloc (09022015). Collection method: clinical testing. Allele origin: germline.
Comment: This sequence change replaces arginine, which is basic and polar, with glutamine, which is neutral and polar, at codon 51 of the SNX10 protein (p.Arg51Gln). This variant is present in population databases (rs398123011, gnomAD 0.003%). This missense change has been observed in individuals with osteopetrosis (PMID: 22499339; internal data). It has also been observed to segregate with disease in related individuals. ClinVar contains an entry for this variant (Variation ID: 40050). An algorithm developed to predict the effect of missense changes on protein structure and function (PolyPhen-2) suggests that this variant is likely to be disruptive. Experimental studies have shown that this missense change affects SNX10 function (PMID: 25212774). Algorithms developed to predict the effect of sequence changes on RNA splicing suggest that this variant may disrupt the consensus splice site. This variant disrupts the p.Arg51 amino acid residue in SNX10. Other variant(s) that disrupt this residue have been determined to be pathogenic (PMID: 23280965, 25212774). This suggests that this residue is clinically significant, and that variants that disrupt this residue are likely to be disease-causing. For these reasons, this variant has been classified as Pathogenic.

Hereditary Research Laboratory, Bethlehem University
Classification: Pathogenic for Autosomal recessive osteopetrosis 8. Last evaluated: 2021-04-24. Review status: no assertion criteria provided. Collection method: clinical testing. Allele origin: germline. Inheritance: Autosomal recessive inheritance. Affected: yes. Not counted in ClinVar's aggregate classification.

OMIM
Classification: Pathogenic for OSTEOPETROSIS, AUTOSOMAL RECESSIVE 8. Last evaluated: 2012-04-01. Review status: no assertion criteria provided. Collection method: literature only. Allele origin: germline. Not counted in ClinVar's aggregate classification.

Literature cited by the submitters: PubMed 23280965 (cited by Women's Health and Genetics/Laboratory Corporation of America, LabCorp and Labcorp Genetics (formerly Invitae), Labcorp); PubMed 25212774 (cited by Women's Health and Genetics/Laboratory Corporation of America, LabCorp and Labcorp Genetics (formerly Invitae), Labcorp); PubMed 22499339 (cited by 3 submitters).